The following is an entry in ClinVar:

NM_030973.4(MED25):c.28C>T (p.Arg10Cys)

Gene: MED25 (mediator complex subunit 25; plus strand). Cytogenetic location: 19q13.33.
Variant type: single nucleotide variant.
Coding change: c.28C>T on transcript NM_030973.4 (MANE Select); coding-DNA position 28, C replaced by T.
Protein change: p.Arg10Cys; replaces arginine 10 with cysteine.
Molecular consequence: missense variant.
Genome position (GRCh38, 1-based): chr19:49,818,369, C>T. VCF-style: chr19-49818369-C-T. GRCh37 (hg19) VCF-style: chr19-50321626-C-T.
Other names: c.28C>T, p.Arg10Cys (NM_001378355.1); short protein forms R10C.
Identifiers: ClinVar variation 2099102 (VCV002099102.4), dbSNP rs1209130181, ClinGen allele CA406908297.

ClinVar aggregate classification (germline): Uncertain significance (1 of 4 stars; one submission).

Conditions:
Charcot-Marie-Tooth disease type 2. Also called: Charcot-Marie-Tooth type 2. Identifiers: Orphanet 64746, MedGen C0270914, MONDO:0018993.

Allele frequency attached by ClinVar (database versions not stated): gnomAD exomes below 0.00001.
gnomAD v4.1: 5 of 1,608,516 alleles (0.00031%); highest among the groups gnomAD compares: Non-Finnish European, 0.00042%; no homozygotes.

Submission:

Labcorp Genetics (formerly Invitae), Labcorp
Classification: Uncertain significance for Charcot-Marie-Tooth disease type 2. Last evaluated: 2022-03-06. Review status: criteria provided, single submitter. Criteria: Invitae Variant Classification Sherloc (09022015). Collection method: clinical testing. Allele origin: germline.
Comment: This sequence change replaces arginine, which is basic and polar, with cysteine, which is neutral and slightly polar, at codon 10 of the MED25 protein (p.Arg10Cys). This variant is not present in population databases (gnomAD no frequency). This variant has not been reported in the literature in individuals affected with MED25-related conditions. Algorithms developed to predict the effect of missense changes on protein structure and function are either unavailable or do not agree on the potential impact of this missense change (SIFT: "Tolerated"; PolyPhen-2: "Possibly Damaging"; Align-GVGD: "Class C0"). In summary, the available evidence is currently insufficient to determine the role of this variant in disease. Therefore, it has been classified as a Variant of Uncertain Significance.